The following is an entry in ClinVar:

NM_000860.6(HPGD):c.489C>T (p.Arg163=)

Gene: HPGD (15-hydroxyprostaglandin dehydrogenase; minus strand). Cytogenetic location: 4q34.1.
Variant type: single nucleotide variant.
Coding change: c.489C>T on transcript NM_000860.6 (MANE Select); coding-DNA position 489, C replaced by T.
Protein change: p.Arg163=; no amino-acid change (arginine 163 retained).
Molecular consequence: synonymous variant. On other transcripts: intron variant (1).
Genome position (GRCh38, 1-based): chr4:174,495,557, G>A on the plus strand (C>T on the coding strand, the complement: HPGD is on the minus strand). VCF-style: chr4-174495557-G-A. GRCh37 (hg19) VCF-style: chr4-175416708-G-A.
Other names: c.489C>T, p.Arg163= (NM_001145816.3); c.126C>T, p.Arg42= (NM_001256301.1, NM_001256307.2); c.285C>T, p.Arg95= (NM_001256306.2); c.422-3463C>T (NM_001256305.2).
Identifiers: ClinVar variation 348202 (VCV000348202.15), dbSNP rs17060544, ClinGen allele CA3142251.
Genomic context (GRCh38, chr4:174,495,557, plus strand): 5'-TATAAATGTGTACAAAGAGAAAATGAGATATGACGGTTGTTGTAGCCTCACCGCTGCTGA[G>A]CGTGTGAATCCAACTATGCCATGCTTTGAAGCACAATAAACCGGCTGCTGTGCAACGGGC-3'
Protein context (NP_000851.2, residues 153-173): ASKHGIVGFT[Arg163=]SAALAANLMN

ClinVar aggregate classification (germline): Benign. Review status: criteria provided, multiple submitters, no conflicts (2 of 4 stars). 4 submissions from 3 submitters: Benign (4). Last evaluated 2026-01-26.

Conditions:
Hypertrophic osteoarthropathy, primary, autosomal recessive, 1 (PHOAR1). Also called: PHO, AUTOSOMAL RECESSIVE. Identifiers: Orphanet 1525, Orphanet 2796, MedGen C4551679, MONDO:0024546, OMIM 259100.
Isolated congenital digital clubbing. Also called: ACROPACHY, HEREDITARY; CLUBBING OF DIGITS. Identifiers: Orphanet 217059, MedGen C0345408, MONDO:0007343, OMIM 119900.

Allele frequency attached by ClinVar (database versions not stated): gnomAD exomes 0.00489; ExAC 0.00634; gnomAD 0.01859 and 0.01946; ESP Exome Variant Server 0.01945; TOPMed 0.02035; 1000 Genomes Project 30x 0.02842; 1000 Genomes Project 0.02875.
gnomAD v4.1: 5,653 of 1,610,546 alleles (0.35%); highest among the groups gnomAD compares: African/African-American, 6.7%; 207 homozygotes.

Submissions (4):

Labcorp Genetics (formerly Invitae), Labcorp
Classification: Benign. Last evaluated: 2026-01-26. Review status: criteria provided, single submitter. Criteria: Invitae Variant Classification Sherloc (09022015). Collection method: clinical testing. Allele origin: germline.

Illumina Laboratory Services, Illumina
Classification: Benign for Isolated congenital digital clubbing. Last evaluated: 2018-01-12. Review status: criteria provided, single submitter. Criteria: ICSL Variant Classification Criteria 13 December 2019. Collection method: clinical testing. Allele origin: germline.
Comment: This variant was observed in the ICSL laboratory as part of a predisposition screen in an ostensibly healthy population. It had not been previously curated by ICSL or reported in the Human Gene Mutation Database (HGMD: prior to June 1st, 2018), and was therefore a candidate for classification through an automated scoring system. Utilizing variant allele frequency, disease prevalence and penetrance estimates, and inheritance mode, an automated score was calculated to assess if this variant is too frequent to cause the disease. Based on the score and internal cut-off values, a variant classified as benign is not then subjected to further curation. The score for this variant resulted in a classification of benign for this disease.

Illumina Laboratory Services, Illumina
Classification: Benign for Hypertrophic osteoarthropathy, primary, autosomal recessive, 1. Last evaluated: 2018-01-12. Review status: criteria provided, single submitter. Criteria: ICSL Variant Classification Criteria 13 December 2019. Collection method: clinical testing. Allele origin: germline.
Comment: the same text as in the submission from Illumina Laboratory Services, Illumina above.

Breakthrough Genomics
Classification: Benign. Review status: criteria provided, single submitter. Criteria: ACMG Guidelines, 2015. Collection method: not provided. Allele origin: germline. Inheritance: Autosomal recessive inheritance. Affected: yes.